The following is an entry in ClinVar:

ClinVar aggregate classification (germline): Uncertain significance. Review status: criteria provided, multiple submitters, no conflicts (2 of 4 stars). 2 submissions from 2 submitters: Uncertain significance (2). Last evaluated 2025-01-13.

Conditions:
Inborn genetic diseases. Identifiers: MedGen C0950123, MeSH D030342.

gnomAD v4.1: 4 of 1,551,676 alleles (0.00026%); highest among the groups gnomAD compares: Non-Finnish European, 0.00026%; no homozygotes.

Submissions (2):

Labcorp Genetics (formerly Invitae), Labcorp
Classification: Uncertain significance. Last evaluated: 2025-01-13. Review status: criteria provided, single submitter. Criteria: Invitae Variant Classification Sherloc (09022015). Collection method: clinical testing. Allele origin: germline.
Comment: This sequence change replaces valine, which is neutral and non-polar, with isoleucine, which is neutral and non-polar, at codon 2606 of the UNC80 protein (p.Val2606Ile). This variant is not present in population databases (gnomAD no frequency). This variant has not been reported in the literature in individuals affected with UNC80-related conditions. ClinVar contains an entry for this variant (Variation ID: 2088209). Invitae Evidence Modeling of protein sequence and biophysical properties (such as structural, functional, and spatial information, amino acid conservation, physicochemical variation, residue mobility, and thermodynamic stability) indicates that this missense variant is not expected to disrupt UNC80 protein function with a negative predictive value of 80%. In summary, the available evidence is currently insufficient to determine the role of this variant in disease. Therefore, it has been classified as a Variant of Uncertain Significance.

Ambry Genetics
Classification: Uncertain significance for Inborn genetic diseases. Last evaluated: 2023-02-27. Review status: criteria provided, single submitter. Criteria: Ambry Variant Classification Scheme 2023. Collection method: clinical testing. Allele origin: germline.

NM_001371986.1(UNC80):c.8014G>A (p.Val2672Ile)

Gene: UNC80 (unc-80 subunit of NALCN channel complex; plus strand). Cytogenetic location: 2q34.
Variant type: single nucleotide variant.
Coding change: c.8014G>A on transcript NM_001371986.1 (MANE Select); coding-DNA position 8014, G replaced by A.
Protein change: p.Val2672Ile; replaces valine 2672 with isoleucine.
Molecular consequence: missense variant.
Genome position (GRCh38, 1-based): chr2:209,969,775, G>A. VCF-style: chr2-209969775-G-A. GRCh37 (hg19) VCF-style: chr2-210834499-G-A.
Other names: c.7816G>A (NM_032504.1); c.7816G>A, p.Val2606Ile (NM_032504.2); c.7801G>A, p.Val2601Ile (NM_182587.4); short protein forms V2672I, V2601I, V2606I.
Identifiers: ClinVar variation 2088209 (VCV002088209.6), dbSNP rs370951034, ClinGen allele CA350777571.
Genomic context (GRCh38, chr2:209,969,775, plus strand): 5'-CAGACTCTCCAGAAGGGAGCCAAGACGCTAATGGCGCCTATATTGTATTCCAGGCGACAG[G>A]TTGAGTGGGAGCCTGCCAGCAATTTGATTGAAGGGGTTTGTTTGACACTTCAGAGGCAGC-3'
Protein context (NP_001358915.1, residues 2662-2682): IHKMPTLRRQ[Val2672Ile]EWEPASNLIE